The following is an entry in ClinVar:

NM_001267550.2(TTN):c.75430C>T (p.Gln25144Ter)

Genes: TTN (titin; minus strand), TTN-AS1 (TTN antisense RNA 1; plus strand). Cytogenetic location: 2q31.2.
Variant type: single nucleotide variant.
Coding change: c.75430C>T on transcript NM_001267550.2 (MANE Select); coding-DNA position 75430, C replaced by T.
Protein change: p.Gln25144Ter; replaces glutamine 25144 with a stop codon.
Molecular consequence: nonsense.
Genome position (GRCh38, 1-based): chr2:178,570,702, G>A on the plus strand (C>T on the coding strand, the complement: TTN is on the minus strand). VCF-style: chr2-178570702-G-A. GRCh37 (hg19) VCF-style: chr2-179435429-G-A.
Other names: c.70507C>T, p.Gln23503Ter (NM_001256850.1); c.48235C>T, p.Gln16079Ter (NM_003319.4); c.67726C>T, p.Gln22576Ter (NM_133378.4); c.48610C>T, p.Gln16204Ter (NM_133432.3); c.48811C>T, p.Gln16271Ter (NM_133437.4); short protein forms Q16271*, Q25144*, Q16079*, Q23503*, Q16204*, Q22576*.
Identifiers: ClinVar variation 4785131 (VCV004785131.3).

ClinVar aggregate classification (germline): Likely pathogenic. Review status: criteria provided, multiple submitters, no conflicts (2 of 4 stars). 3 submissions from 3 submitters: Likely pathogenic (3). Last evaluated 2026-03-24.

Conditions:
Dilated cardiomyopathy 1G (CMD1G). Identifiers: Orphanet 154, MedGen C1858763, MONDO:0011400, OMIM 604145.
Autosomal recessive limb-girdle muscular dystrophy type 2J (LGMDR10). Also called: Limb-girdle muscular dystrophy, type 2J; MUSCULAR DYSTROPHY, LIMB-GIRDLE, AUTOSOMAL RECESSIVE 10. Identifiers: Orphanet 140922, MedGen C1837342, MONDO:0012127, OMIM 608807.

Submissions (3):

Victorian Clinical Genetics Services, Murdoch Childrens Research Institute
Classification: Likely pathogenic for Dilated cardiomyopathy 1G. Last evaluated: 2026-03-24. Review status: criteria provided, single submitter. Criteria: ACMG Guidelines, 2015. Collection method: clinical testing. Allele origin: germline. Affected: yes.
Comment: This variant is classified as Likely pathogenic. Evidence in support of pathogenic classification: Variant is predicted to cause nonsense-mediated decay (NMD) and loss of protein (premature termination codon is located at least 54 nucleotides upstream of the final exon-exon junction); Variant is absent from gnomAD (v2, v3 and v4); This variant has limited previous evidence of pathogenicity in an unrelated individual(s). This variant has been classified as likely pathogenic by a clinical laboratory in ClinVar. - Other NMD-predicted variant(s) comparable to the one identified in this case have strong previous evidence for pathogenicity (ClinVar). Additional information: This variant is heterozygous; This gene is associated with both recessive and dominant disease (OMIM); No published evidence of segregation with disease has been identified for this variant; No published functional evidence has been identified for this variant; Variant is located in the annotated A-band and the exon has a PSI score of 100% (PMID: 25589632); Loss of function is a known mechanism of disease in this gene. In addition, dominant negative is also a suggested mechanism (PMID: 25589632); The condition associated with this gene has incomplete penetrance. Variants in this gene that result in a premature termination codon (PTC) are known to have reduced penetrance in DCM (PMID: 25589632); Inheritance information for this variant is not currently available in this individual.

Variantyx, Inc.
Classification: Likely pathogenic for Dilated cardiomyopathy 1G. Last evaluated: 2025-06-17. Review status: criteria provided, single submitter. Criteria: Variantyx Assertion Criteria 2022. Collection method: clinical testing. Allele origin: germline. Inheritance: Autosomal dominant inheritance. Affected: yes.
Comment: This is a nonsense variant in the TTN gene (OMIM: 188840). Pathogenic variants in this gene have been associated with autosomal dominant dilated cardiomyopathy 1G. This variant introduces a premature termination codon in exon 326 out of 363 and is expected to result in loss of function, which is a known disease mechanism for TTN in this disorder (PMID: 18948003, 23975875, 24395473, 30535219, 31407473, 31737537) (PVS1). This variant is absent from control populations (PM2), and it has not been reported in individuals with TTN-related disorders in the databases available for review. Based on the current evidence, this variant is classified as likely pathogenic for autosomal dominant dilated cardiomyopathy 1G.

Labcorp Genetics (formerly Invitae), Labcorp
Classification: Likely pathogenic for Dilated cardiomyopathy 1G; Autosomal recessive limb-girdle muscular dystrophy type 2J. Last evaluated: 2025-05-28. Review status: criteria provided, single submitter. Criteria: Invitae Variant Classification Sherloc (09022015). Collection method: clinical testing. Allele origin: germline.
Comment: This sequence change creates a premature translational stop signal (p.Gln25144*) in the TTN gene. While this is not anticipated to result in nonsense mediated decay, it is expected to create a truncated TTN protein. This variant is not present in population databases (gnomAD no frequency). This variant has not been reported in the literature in individuals affected with TTN-related conditions. This variant is located in the A band of TTN (PMID: 25589632). Truncating variants in this region are significantly overrepresented in patients affected with dilated cardiomyopathy (PMID: 25589632). Truncating variants in this region have also been reported in individuals affected with autosomal recessive centronuclear myopathy (PMID: 23975875). In summary, the currently available evidence indicates that the variant is pathogenic, but additional data are needed to prove that conclusively. Therefore, this variant has been classified as Likely Pathogenic.

Literature cited by the submitters: PubMed 25589632 (cited by Victorian Clinical Genetics Services, Murdoch Childrens Research Institute and Labcorp Genetics (formerly Invitae), Labcorp); PubMed 18948003 (cited by Variantyx, Inc.); PubMed 23975875 (cited by Variantyx, Inc. and Labcorp Genetics (formerly Invitae), Labcorp); PubMed 24395473 (cited by Variantyx, Inc.); PubMed 30535219 (cited by Variantyx, Inc.); PubMed 31407473 (cited by Variantyx, Inc.); PubMed 31737537 (cited by Variantyx, Inc.).